The following is an entry in ClinVar:

NM_001458.5(FLNC):c.7251+276C>T

Genes: FLNC (filamin C; plus strand), FLNC-AS1 (FLNC antisense RNA 1; minus strand). Cytogenetic location: 7q32.1.
Variant type: single nucleotide variant.
Coding change: c.7251+276C>T on transcript NM_001458.5 (MANE Select); 276 bases into the intron after coding-DNA position 7251, C replaced by T.
Molecular consequence: intron variant.
Genome position (GRCh38, 1-based): chr7:128,855,590, C>T. VCF-style: chr7-128855590-C-T. GRCh37 (hg19) VCF-style: chr7-128495644-C-T.
Other names: c.7152+276C>T (NM_001127487.2).
Identifiers: ClinVar variation 683539 (VCV000683539.1), dbSNP rs115214445, ClinGen allele CA166193811.

ClinVar aggregate classification (germline): Likely benign (1 of 4 stars; one submission).

Allele frequency attached by ClinVar (database versions not stated): gnomAD 0.01040 and 0.01109; TOPMed 0.01110; 1000 Genomes Project 0.01238; 1000 Genomes Project 30x 0.01359.
gnomAD v4.1: 1,568 of 152,314 alleles (1%); highest among the groups gnomAD compares: African/African-American, 3.6%; 19 homozygotes.

Submission:

GeneDx
Classification: Likely benign. Last evaluated: 2018-06-19. Review status: criteria provided, single submitter. Criteria: GeneDx Variant Classification (06012015). Collection method: clinical testing. Allele origin: germline. Affected: yes.
Comment: This variant is considered likely benign or benign based on one or more of the following criteria: it is a conservative change, it occurs at a poorly conserved position in the protein, it is predicted to be benign by multiple in silico algorithms, and/or has population frequency not consistent with disease.